The following is an entry in ClinVar:

ClinVar aggregate classification (germline): Conflicting classifications of pathogenicity. Review status: criteria provided, conflicting classifications (1 of 4 stars). 2 submissions from 2 submitters: Uncertain significance (1); Likely benign (1). Last evaluated 2025-11-26.

Allele frequency attached by ClinVar (database versions not stated): gnomAD exomes 0.00793; TOPMed 0.00557; ESP Exome Variant Server 0.00607; gnomAD 0.00746; 1000 Genomes Project 30x 0.00828; 1000 Genomes Project 0.00899; ExAC 0.00974.
gnomAD v4.1: 12,631 of 1,614,010 alleles (0.78%); highest among the groups gnomAD compares: East Asian, 4.1%; 109 homozygotes.

Submissions (2):

Mayo Clinic Laboratories, Mayo Clinic
Classification: Uncertain significance. Last evaluated: 2025-11-26. Review status: criteria provided, single submitter. Criteria: ACMG Guidelines, 2015. Collection method: clinical testing. Allele origin: germline. Observed: 5 variant alleles.
Comment: BS2, BP4_strong, PS3_supporting

ARUP Laboratories, Molecular Genetics and Genomics, ARUP Laboratories
Classification: Likely benign. Last evaluated: 2025-07-24. Review status: criteria provided, single submitter. Criteria: ARUP Molecular Germline Variant Investigation Process 2024. Collection method: clinical testing. Allele origin: germline.

Literature cited by the submitters: PubMed 12919954 (cited by Mayo Clinic Laboratories, Mayo Clinic); PubMed 31376207 (cited by Mayo Clinic Laboratories, Mayo Clinic); PubMed 35972942 (cited by Mayo Clinic Laboratories, Mayo Clinic).

NM_001530.4(HIF1A):c.1762G>A (p.Ala588Thr)

Genes: HIF1A (hypoxia inducible factor 1 subunit alpha; plus strand), HIF1A-AS3 (HIF1A antisense RNA 3; minus strand). Cytogenetic location: 14q23.2.
Variant type: single nucleotide variant.
Coding change: c.1762G>A on transcript NM_001530.4 (MANE Select); coding-DNA position 1762, G replaced by A.
Protein change: p.Ala588Thr; replaces alanine 588 with threonine.
Molecular consequence: missense variant.
Genome position (GRCh38, 1-based): chr14:61,740,857, G>A. VCF-style: chr14-61740857-G-A. GRCh37 (hg19) VCF-style: chr14-62207575-G-A.
Other names: p.Ala588Thr; c.1834G>A, p.Ala612Thr (NM_001243084.2); c.1762G>A, p.Ala588Thr (NM_181054.3); short protein forms A588T, A612T.
Identifiers: ClinVar variation 2683253 (VCV002683253.5), dbSNP rs11549467, ClinGen allele CA7216007.